The following is an entry in ClinVar:

ClinVar aggregate classification (germline): Uncertain significance. Review status: criteria provided, multiple submitters, no conflicts (2 of 4 stars). 2 submissions from 2 submitters: Uncertain significance (2). Last evaluated 2025-06-10.

Conditions:
Inborn genetic diseases. Identifiers: MedGen C0950123, MeSH D030342.

Allele frequency attached by ClinVar (database versions not stated): gnomAD 0.00007; ExAC 0.00005; 1000 Genomes Project 30x 0.00031; ESP Exome Variant Server 0.00008; gnomAD exomes 0.00001; TOPMed 0.00008; 1000 Genomes Project 0.00020.
gnomAD v4.1: 30 of 1,611,718 alleles (0.0019%); highest among the groups gnomAD compares: African/African-American, 0.023%; no homozygotes.

Submissions (2):

Ambry Genetics
Classification: Uncertain significance for Inborn genetic diseases. Last evaluated: 2025-06-10. Review status: criteria provided, single submitter. Criteria: Ambry Variant Classification Scheme 2023. Collection method: clinical testing. Allele origin: germline.

Labcorp Genetics (formerly Invitae), Labcorp
Classification: Uncertain significance. Last evaluated: 2024-02-04. Review status: criteria provided, single submitter. Criteria: Invitae Variant Classification Sherloc (09022015). Collection method: clinical testing. Allele origin: germline.
Comment: This sequence change replaces alanine, which is neutral and non-polar, with valine, which is neutral and non-polar, at codon 175 of the WDR4 protein (p.Ala175Val). This variant is present in population databases (rs368245255, gnomAD 0.03%). This variant has not been reported in the literature in individuals affected with WDR4-related conditions. ClinVar contains an entry for this variant (Variation ID: 2406817). Advanced modeling of protein sequence and biophysical properties (such as structural, functional, and spatial information, amino acid conservation, physicochemical variation, residue mobility, and thermodynamic stability) performed at Invitae indicates that this missense variant is not expected to disrupt WDR4 protein function with a negative predictive value of 80%. In summary, the available evidence is currently insufficient to determine the role of this variant in disease. Therefore, it has been classified as a Variant of Uncertain Significance.

NM_018669.6(WDR4):c.524C>T (p.Ala175Val)

Gene: WDR4 (WDR4 tRNA N7-guanosine methyltransferase non-catalytic subunit; minus strand). Cytogenetic location: 21q22.3.
Variant type: single nucleotide variant.
Coding change: c.524C>T on transcript NM_018669.6 (MANE Select); coding-DNA position 524, C replaced by T.
Protein change: p.Ala175Val; replaces alanine 175 with valine.
Molecular consequence: missense variant. On other transcripts: non-coding transcript variant (1).
Genome position (GRCh38, 1-based): chr21:42,862,324, G>A on the plus strand (C>T on the coding strand, the complement: WDR4 is on the minus strand). VCF-style: chr21-42862324-G-A. GRCh37 (hg19) VCF-style: chr21-44282434-G-A.
Other names: c.524C>T, p.Ala175Val (NM_001260474.2, NM_033661.5); c.86C>T, p.Ala29Val (NM_001260475.2, NM_001260476.2, NM_001260477.2 and 1 more transcripts); short protein forms A29V, A175V.
Identifiers: ClinVar variation 2406817 (VCV002406817.4), dbSNP rs368245255, ClinGen allele CA10046070.